The following is an entry in ClinVar:

ClinVar aggregate classification (germline): Uncertain significance (1 of 4 stars; one submission).

Conditions:
3-methylglutaconic aciduria, type VIIB (MGCA7B). Also called: CLPB Deficiency; 3-methylglutaconic aciduria, type VII, with cataracts, neurologic involvement and neutropenia; 3-methylglutaconic aciduria with cataracts, neurologic involvement and neutropenia. Identifiers: Orphanet 445038, MedGen C5676893, MONDO:0014561, OMIM 616271.

gnomAD v4.1: 6 of 1,608,888 alleles (0.00037%); highest among the groups gnomAD compares: Non-Finnish European, 0.00051%; no homozygotes.

Submission:

Labcorp Genetics (formerly Invitae), Labcorp
Classification: Uncertain significance for 3-methylglutaconic aciduria, type VIIB. Last evaluated: 2025-05-25. Review status: criteria provided, single submitter. Criteria: Invitae Variant Classification Sherloc (09022015). Collection method: clinical testing. Allele origin: germline.
Comment: This sequence change replaces glutamine, which is neutral and polar, with histidine, which is basic and polar, at codon 323 of the CLPB protein (p.Gln323His). This variant is not present in population databases (gnomAD no frequency). This variant has not been reported in the literature in individuals affected with CLPB-related conditions. An algorithm developed to predict the effect of missense changes on protein structure and function (PolyPhen-2) suggests that this variant is likely to be tolerated. In summary, the available evidence is currently insufficient to determine the role of this variant in disease. Therefore, it has been classified as a Variant of Uncertain Significance.

NM_001258392.3(CLPB):c.879A>C (p.Gln293His)

Gene: CLPB (ClpB family mitochondrial disaggregase; minus strand). Cytogenetic location: 11q13.4.
Variant type: single nucleotide variant.
Coding change: c.879A>C on transcript NM_001258392.3 (MANE Select); coding-DNA position 879, A replaced by C.
Protein change: p.Gln293His; replaces glutamine 293 with histidine.
Molecular consequence: missense variant.
Genome position (GRCh38, 1-based): chr11:72,317,215, T>G on the plus strand (A>C on the coding strand, the complement: CLPB is on the minus strand). VCF-style: chr11-72317215-T-G. GRCh37 (hg19) VCF-style: chr11-72028259-T-G.
Other names: c.792A>C, p.Gln264His (NM_001258393.3); c.834A>C, p.Gln278His (NM_001258394.3); c.969A>C, p.Gln323His (NM_030813.6); short protein forms Q293H, Q323H, Q278H, Q264H.
Identifiers: ClinVar variation 4725655 (VCV004725655.1).
Genomic context (GRCh38, chr11:72,317,215, plus strand): 5'-TAGTCGCTGCTCCAGGGGGAAGCGGCGCCGCTCCTCAGCCTCACGCTTCCGCTGCTTCTC[T>G]TGGTACTGTGGGGAGAGAGGGCAAATGGTTGAGGGCTGCCGGGCCCATAGCACCATAGCT-3'
Protein context (NP_001245321.1, residues 283-303): KLLRTSEAKY[Gln293His]EKQRKREAEE